The following is an entry in ClinVar:

NM_004984.4(KIF5A):c.2848C>T (p.Leu950Phe)

Gene: KIF5A (kinesin family member 5A; plus strand). Cytogenetic location: 12q13.3.
Variant type: single nucleotide variant.
Coding change: c.2848C>T on transcript NM_004984.4 (MANE Select); coding-DNA position 2848, C replaced by T.
Protein change: p.Leu950Phe; replaces leucine 950 with phenylalanine.
Molecular consequence: missense variant.
Genome position (GRCh38, 1-based): chr12:57,581,507, C>T. VCF-style: chr12-57581507-C-T. GRCh37 (hg19) VCF-style: chr12-57975290-C-T.
Other names: c.2581C>T, p.Leu861Phe (NM_001354705.2); short protein forms L861F, L950F.
Identifiers: ClinVar variation 4803049 (VCV004803049.1).

ClinVar aggregate classification (germline): Uncertain significance (1 of 4 stars; one submission).

Conditions:
Spastic paraplegia. Identifiers: MedGen C0037772, HP:0001258.

Submission:

Labcorp Genetics (formerly Invitae), Labcorp
Classification: Uncertain significance for Spastic paraplegia. Last evaluated: 2025-12-03. Review status: criteria provided, single submitter. Criteria: Invitae Variant Classification Sherloc (09022015). Collection method: clinical testing. Allele origin: germline.
Comment: This sequence change replaces leucine, which is neutral and non-polar, with phenylalanine, which is neutral and non-polar, at codon 950 of the KIF5A protein (p.Leu950Phe). This variant is not present in population databases (gnomAD no frequency). This variant has not been reported in the literature in individuals affected with KIF5A-related conditions. Invitae Evidence Modeling of protein sequence and biophysical properties (such as structural, functional, and spatial information, amino acid conservation, physicochemical variation, residue mobility, and thermodynamic stability) has been performed for this missense variant. However, the output from this modeling did not meet the statistical confidence thresholds required to predict the impact of this variant on KIF5A protein function. In summary, the available evidence is currently insufficient to determine the role of this variant in disease. Therefore, it has been classified as a Variant of Uncertain Significance.